The following is an entry in ClinVar:

ClinVar aggregate classification (germline): Likely benign. Review status: criteria provided, single submitter (1 of 4 stars). 2 submissions from 2 submitters: Likely benign (1). 1 of the submissions does not count toward it. Last evaluated 2025-10-06.

Conditions:
LRRK1-related disorder. Also called: LRRK1-related condition.

Allele frequency attached by ClinVar (database versions not stated): 1000 Genomes Project 30x 0.00016; 1000 Genomes Project 0.00020; ExAC 0.00005; gnomAD exomes 0.00013; gnomAD 0.00014; TOPMed 0.00012.
gnomAD v4.1: 204 of 1,613,756 alleles (0.013%); highest among the groups gnomAD compares: Admixed American, 0.02%; no homozygotes.

Submissions (2):

Labcorp Genetics (formerly Invitae), Labcorp
Classification: Likely benign. Last evaluated: 2025-10-06. Review status: criteria provided, single submitter. Criteria: Invitae Variant Classification Sherloc (09022015). Collection method: clinical testing. Allele origin: germline.

PreventionGenetics, part of Exact Sciences
Classification: Likely benign for LRRK1-related condition. Last evaluated: 2019-03-13. Review status: no assertion criteria provided. Collection method: clinical testing. Allele origin: germline. Not counted in ClinVar's aggregate classification.
Comment: This variant is classified as likely benign based on ACMG/AMP sequence variant interpretation guidelines (Richards et al. 2015 PMID: 25741868, with internal and published modifications).

NM_024652.6(LRRK1):c.4242G>A (p.Arg1414=)

Genes: LRRK1 (leucine rich repeat kinase 1; plus strand), LRRK1-AS1 (LRRK1 antisense RNA 1; minus strand). Cytogenetic location: 15q26.3.
Variant type: single nucleotide variant.
Coding change: c.4242G>A on transcript NM_024652.6 (MANE Select); coding-DNA position 4242, G replaced by A.
Protein change: p.Arg1414=; no amino-acid change (arginine 1414 retained).
Molecular consequence: synonymous variant.
Genome position (GRCh38, 1-based): chr15:101,055,133, G>A. VCF-style: chr15-101055133-G-A. GRCh37 (hg19) VCF-style: chr15-101595338-G-A.
Identifiers: ClinVar variation 2721954 (VCV002721954.5), dbSNP rs547652242, ClinGen allele CA7761782.